The following is an entry in ClinVar:

NM_000124.4(ERCC6):c.2203C>T (p.Arg735Ter)

Gene: ERCC6 (ERCC excision repair 6, chromatin remodeling factor; minus strand). Cytogenetic location: 10q11.23.
Variant type: single nucleotide variant.
Coding change: c.2203C>T on transcript NM_000124.4 (MANE Select); coding-DNA position 2203, C replaced by T.
Protein change: p.Arg735Ter; replaces arginine 735 with a stop codon.
Molecular consequence: nonsense.
Genome position (GRCh38, 1-based): chr10:49,478,437, G>A on the plus strand (C>T on the coding strand, the complement: ERCC6 is on the minus strand). VCF-style: chr10-49478437-G-A. GRCh37 (hg19) VCF-style: chr10-50686483-G-A.
Other names: c.2203C>T, p.Arg735Ter (NM_001346440.2); short protein forms R735*.
Identifiers: ClinVar variation 1701 (VCV000001701.50), dbSNP rs121917901, ClinGen allele CA115152.

ClinVar aggregate classification (germline): Pathogenic. Review status: criteria provided, multiple submitters, no conflicts (2 of 4 stars). 21 submissions from 20 submitters: Pathogenic (15). 6 of the submissions do not count toward it. Last evaluated 2025-11-28.

Conditions:
Premature ovarian failure 11 (POF11). Identifiers: MedGen C4310783, MONDO:0014843, OMIM 616946.
Age related macular degeneration 5. Identifiers: MedGen C3151063, MONDO:0013409, OMIM 613761.
Lung cancer. Also called: Lung cancer, somatic; Malignant tumor of lung. Identifiers: MedGen C0242379, MONDO:0008903, OMIM 211980.
DE SANCTIS-CACCHIONE SYNDROME. Identifiers: MedGen C0265201, MONDO:0010217, OMIM 278800.
UV-sensitive syndrome 1 (UVSS1). Identifiers: Orphanet 178338, MedGen C3551173, MONDO:0010909, OMIM 600630.
Cerebrooculofacioskeletal syndrome 1 (COFS1). Also called: Cerebro-oculo-facio-skeletal syndrome 1. Identifiers: MedGen C0220722, MONDO:0008955, OMIM 214150.
Cockayne syndrome type 2 (CSB). Also called: COCKAYNE SYNDROME B; Cockayne Syndrome, Type II. Identifiers: Orphanet 191, Orphanet 90322, MedGen C0751038, MONDO:0019570, OMIM 133540.
ERCC6-related disorder. Also called: ERCC6-related condition; ERCC6-related disorders. Identifiers: MedGen CN239385.

Allele frequency attached by ClinVar (database versions not stated): TOPMed 0.00003; gnomAD 0.00005; gnomAD exomes 0.00007; ExAC 0.00009.

Submissions 1 to 12 of 21:

Variantyx, Inc.
Classification: Pathogenic for Cockayne syndrome type 2. Last evaluated: 2025-11-28. Review status: criteria provided, single submitter. Criteria: Variantyx Assertion Criteria 2022. Collection method: clinical testing. Allele origin: germline. Inheritance: Autosomal recessive inheritance. Affected: yes.
Comment: This is a nonsense variant in the ERCC6 gene (OMIM: 609413). Pathogenic variants in this gene have been associated with autosomal recessive Cockayne spectrum with or without cerebrooculofacioskeletal syndrome. This variant introduces a premature termination codon in exon 11 out of 21 and is expected to result in loss of function, which is a known disease mechanism for ERCC6 in this disorder (PMID: 9443879, 30111349, 38177409) (PVS1). This variant has been identified in the homozygous or compound heterozygous state in multiple affected individuals reported in the published literature (PMID: 38177409, 30111349, 9443879) (PM3). It has a 0.0217% maximum allele frequency in non-founder control populations (PM2). Based on the current evidence, this variant is classified as pathogenic for autosomal recessive Cockayne spectrum with or without cerebrooculofacioskeletal syndrome.

Labcorp Genetics (formerly Invitae), Labcorp
Classification: Pathogenic. Last evaluated: 2025-11-23. Review status: criteria provided, single submitter. Criteria: Invitae Variant Classification Sherloc (09022015). Collection method: clinical testing. Allele origin: germline.
Comment: This sequence change creates a premature translational stop signal (p.Arg735*) in the ERCC6 gene. It is expected to result in an absent or disrupted protein product. Loss-of-function variants in ERCC6 are known to be pathogenic (PMID: 18628313, 29572252). This variant is present in population databases (rs121917901, gnomAD 0.03%). This premature translational stop signal has been observed in individual(s) with Cockayne syndrome (PMID: 9443879). ClinVar contains an entry for this variant (Variation ID: 1701). Algorithms developed to predict the effect of sequence changes on RNA splicing suggest that this variant may disrupt the consensus splice site. For these reasons, this variant has been classified as Pathogenic.

3billion
Classification: Pathogenic for ERCC6-related disorder. Last evaluated: 2025-05-29. Review status: criteria provided, single submitter. Criteria: ACMG Guidelines, 2015. Collection method: clinical testing. Allele origin: germline. Affected: yes.
Comment: The variant is observed at an extremely low frequency in the gnomAD v4.1.0 dataset (total allele frequency: 0.005%). Predicted Consequence/Location: Stop-gained (nonsense): predicted to result in a loss or disruption of normal protein function through nonsense-mediated decay (NMD) or protein truncation. Multiple pathogenic variants are reported downstream of the variant. The variant has been reported at least twice as pathogenic with clinical assertions and evidence for the classification (ClinVar ID: VCV000001701 /PMID: 9443879). Therefore, this variant is classified as Pathogenic according to the recommendation of ACMG/AMP guideline.

Blueprint Genetics
Classification: Pathogenic for ERCC6-related disorders. Last evaluated: 2024-08-15. Review status: criteria provided, single submitter. Criteria: ACMG Guidelines, 2015. Collection method: clinical testing. Allele origin: germline. Affected: yes. Observed: 4 variant alleles.

Fulgent Genetics
Classification: Pathogenic for Cockayne syndrome type 2; Lung cancer; Cerebrooculofacioskeletal syndrome 1; DE SANCTIS-CACCHIONE SYNDROME; UV-sensitive syndrome 1; Age related macular degeneration 5; Premature ovarian failure 11. Last evaluated: 2024-03-07. Review status: criteria provided, single submitter. Criteria: ACMG Guidelines, 2015. Collection method: clinical testing. Allele origin: germline.

DECIPHERD-UDD, Universidad del Desarrollo
Classification: Pathogenic for Cockayne syndrome type 2. Last evaluated: 2023-07-01. Review status: criteria provided, single submitter. Criteria: ACMG Guidelines, 2015. Collection method: research. Allele origin: paternal. Affected: yes.

GeneDx
Classification: Pathogenic. Last evaluated: 2022-06-17. Review status: criteria provided, single submitter. Criteria: GeneDx Variant Classification Process June 2021. Collection method: clinical testing. Allele origin: germline. Affected: yes.
Comment: Nonsense variant predicted to result in protein truncation or nonsense mediated decay in a gene for which loss-of-function is a known mechanism of disease; This variant is associated with the following publications: (PMID: 25525159, 9443879, 28687971, 30111349, 32257569, 31589614)

Victorian Clinical Genetics Services, Murdoch Childrens Research Institute
Classification: Pathogenic for Cockayne syndrome type 2. Last evaluated: 2022-02-02. Review status: criteria provided, single submitter. Criteria: ACMG Guidelines, 2015. Collection method: clinical testing. Allele origin: germline. Inheritance: Autosomal recessive inheritance. Affected: yes.
Comment: Based on the classification scheme VCGS_Germline_v1.3.4, this variant is classified as Pathogenic. Following criteria are met: 0102 - Loss of function is a known mechanism of disease in this gene and is associated with cerebrooculofacioskeletal syndrome 1 (MIM#214150), Cockayne syndrome, type B (MIM#133540), De Sanctis-Cacchione syndrome (MIM#278800), premature ovarian failure 11 (MIM#616946) and UV-sensitive syndrome 1 (MIM#600630). (I) 0108 - This gene is associated with both recessive and dominant disease. There is currently no clear genotype-phenotype correlation distinguishing between the autosomal recessive syndromes and autosomal dominant premature ovarian failure 11 (MIM#616946). (I) 0201 - Variant is predicted to cause nonsense-mediated decay (NMD) and loss of protein (premature termination codon is located at least 54 nucleotides upstream of the final exon-exon junction). (SP) 0252 - This variant is homozygous. (I) 0304 - Variant is present in gnomAD <0.01 (v2: 24 heterozygotes, 0 homozygotes). (SP) 0701 - Other NMD-predicted variants comparable to the one identified in this case have very strong previous evidence for pathogenicity (DECIPHER, ClinVar). (SP) 0801 - This variant has strong previous evidence of pathogenicity in unrelated individuals. It has been reported in several homozygous and compound heterozygous individuals with Cockayne syndrome, type B (MIM#133540; DECIPHER, ClinVar, PMID: 29572252). (SP) 1208 - Inheritance information for this variant is not currently available in this individual. (I) Legend: (SP) - Supporting pathogenic, (I) - Information, (SB) - Supporting benign

Revvity Omics, Revvity
Classification: Pathogenic. Last evaluated: 2021-04-08. Review status: criteria provided, single submitter. Criteria: ACMG Guidelines, 2015. Collection method: clinical testing. Allele origin: germline.

ARUP Laboratories, Molecular Genetics and Genomics, ARUP Laboratories
Classification: Pathogenic. Last evaluated: 2020-04-07. Review status: criteria provided, single submitter. Criteria: ARUP Molecular Germline Variant Investigation Process. Collection method: clinical testing. Allele origin: germline.

Mayo Clinic Laboratories, Mayo Clinic
Classification: Pathogenic. Last evaluated: 2019-11-03. Review status: criteria provided, single submitter. Criteria: ACMG Guidelines, 2015. Collection method: clinical testing. Allele origin: germline. Observed: 1 variant allele.
Comment: PVS1, PS3, PS4_moderate, PM2, PM3, PP4

Centre for Mendelian Genomics, University Medical Centre Ljubljana
Classification: Pathogenic for Cerebrooculofacioskeletal syndrome 1. Last evaluated: 2019-02-11. Review status: criteria provided, single submitter. Criteria: ACMG Guidelines, 2015. Collection method: clinical testing. Allele origin: unknown. Affected: yes.
Comment: This variant was classified as: Pathogenic. The following ACMG criteria were applied in classifying this variant: PVS1,PM2,PP5.